The following is an entry in ClinVar:

ClinVar aggregate classification (germline): Uncertain significance (1 of 4 stars; one submission).

Conditions:
Hereditary cancer-predisposing syndrome. Also called: Tumor predisposition; Hereditary Cancer Syndrome; Hereditary neoplastic syndrome; Neoplastic Syndromes, Hereditary. Identifiers: Orphanet 140162, MedGen C0027672, MeSH D009386, MONDO:0015356.

Submission:

Ambry Genetics
Classification: Uncertain significance for Hereditary cancer-predisposing syndrome. Last evaluated: 2016-10-12. Review status: criteria provided, single submitter. Criteria: Ambry Variant Classification Scheme 2023. Collection method: clinical testing. Allele origin: germline.
Comment: The p.I1614L variant (also known as c.4840A>C), located in coding exon 36 of the TSC2 gene, results from an A to C substitution at nucleotide position 4840. The isoleucine at codon 1614 is replaced by leucine, an amino acid with highly similar properties. This variant was not reported in population based cohorts in the following databases: Database of Single Nucleotide Polymorphisms (dbSNP), NHLBI Exome Sequencing Project (ESP), and 1000 Genomes Project. In the ESP, this variant was not observed in 6494 samples (12988 alleles) with coverage at this position. To date, this alteration has been detected with an allele frequency of approximately 0.006% (greater than 20000 alleles tested) in our clinical cohort. This amino acid position is highly conserved in available vertebrate species. In addition, the in silico prediction for this alteration is inconclusive. Since supporting evidence is limited at this time, the clinical significance of this alteration remains unclear.

NM_000548.5(TSC2):c.4840A>C (p.Ile1614Leu)

Gene: TSC2 (TSC complex subunit 2; plus strand). Cytogenetic location: 16p13.3.
Variant type: single nucleotide variant.
Coding change: c.4840A>C on transcript NM_000548.5 (MANE Select); coding-DNA position 4840, A replaced by C.
Protein change: p.Ile1614Leu; replaces isoleucine 1614 with leucine.
Molecular consequence: missense variant.
Genome position (GRCh38, 1-based): chr16:2,086,370, A>C. VCF-style: chr16-2086370-A-C. GRCh37 (hg19) VCF-style: chr16-2136371-A-C.
Other names: c.4108A>C, p.Ile1370Leu (NM_001318831.2); c.4672A>C, p.Ile1558Leu (NM_001318832.2); c.4642A>C, p.Ile1548Leu (NM_001363528.2); c.4708A>C, p.Ile1570Leu (NM_001370404.1); c.4639A>C, p.Ile1547Leu (NM_001077183.3); c.4771A>C, p.Ile1591Leu (NM_001114382.3); c.4531A>C, p.Ile1511Leu (NM_001318827.2); c.4495A>C, p.Ile1499Leu (NM_001318829.2); and 1 more; short protein forms I1614L, I1547L, I1548L, I1570L, I1499L, I1591L, I1370L, I1511L.
Identifiers: ClinVar variation 486678 (VCV000486678.5), dbSNP rs1555516299, ClinGen allele CA394308140.